The following is an entry in ClinVar:

ClinVar aggregate classification (germline): Uncertain significance (1 of 4 stars; one submission).

Conditions:
Ataxia-telangiectasia syndrome (AT). Also called: Ataxia telangiectasia (A-T); LOUIS-BAR SYNDROME; Cerebello-oculocutaneous telangiectasia; Immunodeficiency with ataxia telangiectasia; Ataxia-telangiectasia, complementation group D; AT, COMPLEMENTATION GROUP C. Identifiers: Orphanet 100, MedGen C0004135, MONDO:0008840, OMIM 208900.

Submission:

Labcorp Genetics (formerly Invitae), Labcorp
Classification: Uncertain significance for Ataxia-telangiectasia syndrome. Last evaluated: 2016-06-17. Review status: criteria provided, single submitter. Criteria: Invitae Variant Classification Sherloc (09022015). Collection method: clinical testing. Allele origin: germline.
Comment: In summary, this is a novel in-frame duplication with uncertain impact on protein function. It has been classified as a Variant of Uncertain Significance. This variant is not present in population databases (ExAC no frequency) and has not been reported in the literature in individuals with a ATM-related disease. This sequence change inserts 3 nucleotides in exon 29 of the ATM mRNA (c.4331_4332insTTT). This leads to the insertion of 1 amino acid residue in the ATM protein (p.Leu1444dup) but otherwise preserves the integrity of the reading frame.

NM_000051.4(ATM):c.4331_4332insTTT (p.Leu1444dup)

Gene: ATM (ATM serine/threonine kinase; plus strand). Cytogenetic location: 11q22.3.
Variant type: Insertion.
Coding change: c.4331_4332insTTT on transcript NM_000051.4 (MANE Select); coding-DNA positions 4331 to 4332, TTT inserted.
Protein change: p.Leu1444dup; duplicates leucine 1444.
Molecular consequence: inframe insertion.
Genome position: GRCh38 VCF-style: chr11-108289695-C-CTTT. GRCh37 (hg19) VCF-style: chr11-108160422-C-CTTT.
Other names: c.4331_4332insTTT, p.Leu1444dup (NM_001351834.2).
Identifiers: ClinVar variation 407662 (VCV000407662.8), dbSNP rs1060501663, ClinGen allele CA16613140.
Genomic context (GRCh38, chr11:108,289,695, plus strand): 5'-GAGCAAGCAGCTGAAACAAATAATGTTTATAAGAAGCACAGAATTCTTAAAATATATCAC[C>CTTT]TGTTTGTTAGTTTATTACTGAAAGATATAAAAAGTGGCTTAGGAGGAGCTTGGGCCTTTG-3'